The following is an entry in ClinVar:

NM_015072.5(TTLL5):c.1790A>G (p.Asp597Gly)

Gene: TTLL5 (tubulin tyrosine ligase like 5; plus strand). Cytogenetic location: 14q24.3.
Variant type: single nucleotide variant.
Coding change: c.1790A>G on transcript NM_015072.5 (MANE Select); coding-DNA position 1790, A replaced by G.
Protein change: p.Asp597Gly; replaces aspartic acid 597 with glycine.
Molecular consequence: missense variant.
Genome position (GRCh38, 1-based): chr14:75,766,143, A>G. VCF-style: chr14-75766143-A-G. GRCh37 (hg19) VCF-style: chr14-76232486-A-G.
Other names: c.1790A>G (NM_015072.4); short protein forms D597G.
Identifiers: ClinVar variation 2185822 (VCV002185822.4), dbSNP rs143814508, ClinGen allele CA7279536.
Genomic context (GRCh38, chr14:75,766,143, plus strand): 5'-TGAATGTTAAAACTGAGACAGAGAGTGAAGAGGAGGAAGAAGTCGCATTAGATAATGAAG[A>G]TGAAGAACAGGAGGCTTCCCAGGAGGAGTCTGCAGGATTTCTTAGAGAAAATCAAGCCAA-3'
Protein context (NP_055887.3, residues 587-607): EEEEVALDNE[Asp597Gly]EEQEASQEES

ClinVar aggregate classification (germline): Uncertain significance. Review status: criteria provided, multiple submitters, no conflicts (2 of 4 stars). 3 submissions from 3 submitters: Uncertain significance (3). Last evaluated 2024-08-28.

Conditions:
Inborn genetic diseases. Identifiers: MedGen C0950123, MeSH D030342.

Allele frequency attached by ClinVar (database versions not stated): ExAC 0.00003; gnomAD 0.00003; TOPMed 0.00004; gnomAD exomes 0.00009; ESP Exome Variant Server 0.00031.
gnomAD v4.1: 137 of 1,613,984 alleles (0.0085%); highest among the groups gnomAD compares: Non-Finnish European, 0.011%; no homozygotes.

Submissions (3):

Blueprint Genetics
Classification: Uncertain significance. Last evaluated: 2024-08-28. Review status: criteria provided, single submitter. Criteria: ACMG Guidelines, 2015. Collection method: clinical testing. Allele origin: germline.

Ambry Genetics
Classification: Uncertain significance for Inborn genetic diseases. Last evaluated: 2023-08-04. Review status: criteria provided, single submitter. Criteria: Ambry Variant Classification Scheme 2023. Collection method: clinical testing. Allele origin: germline.

Labcorp Genetics (formerly Invitae), Labcorp
Classification: Uncertain significance. Last evaluated: 2022-05-30. Review status: criteria provided, single submitter. Criteria: Invitae Variant Classification Sherloc (09022015). Collection method: clinical testing. Allele origin: germline.
Comment: This sequence change replaces aspartic acid, which is acidic and polar, with glycine, which is neutral and non-polar, at codon 597 of the TTLL5 protein (p.Asp597Gly). This variant is present in population databases (rs143814508, gnomAD 0.01%). This variant has not been reported in the literature in individuals affected with TTLL5-related conditions. Algorithms developed to predict the effect of missense changes on protein structure and function (SIFT, PolyPhen-2, Align-GVGD) all suggest that this variant is likely to be tolerated. In summary, the available evidence is currently insufficient to determine the role of this variant in disease. Therefore, it has been classified as a Variant of Uncertain Significance.